The following is an entry in ClinVar:

ClinVar aggregate classification (germline): Benign. Review status: criteria provided, multiple submitters, no conflicts (2 of 4 stars). 2 submissions from 2 submitters: Benign (2). Last evaluated 2018-01-13.

Conditions:
Vitamin K-dependent clotting factors, combined deficiency of, type 1. Also called: FACTORS II, VII, IX, AND X, COMBINED DEFICIENCY OF; FAMILIAL MULTIPLE COAGULATION FACTOR DEFICIENCY III; FMFD III; GLUTAMIC ACID, DEFICIENT GAMMA-CARBOXYLATION OF; MULTIPLE COAGULATION FACTOR DEFICIENCY III; VITAMIN K-DEPENDENT COAGULATION DEFECT. Identifiers: Orphanet 98434, MedGen C1848534, MONDO:0010187, OMIM 277450.

Allele frequency attached by ClinVar (database versions not stated): 1000 Genomes Project 0.53015; 1000 Genomes Project 30x 0.53435; gnomAD 0.54555 and 0.55548; TOPMed 0.55264.

Submissions (2):

Illumina Laboratory Services, Illumina
Classification: Benign for Vitamin K-dependent clotting factors, combined deficiency of, type 1. Last evaluated: 2018-01-13. Review status: criteria provided, single submitter. Criteria: ICSL Variant Classification Criteria 13 December 2019. Collection method: clinical testing. Allele origin: germline.
Comment: This variant was observed in the ICSL laboratory as part of a predisposition screen in an ostensibly healthy population. It had not been previously curated by ICSL or reported in the Human Gene Mutation Database (HGMD: prior to June 1st, 2018), and was therefore a candidate for classification through an automated scoring system. Utilizing variant allele frequency, disease prevalence and penetrance estimates, and inheritance mode, an automated score was calculated to assess if this variant is too frequent to cause the disease. Based on the score and internal cut-off values, a variant classified as benign is not then subjected to further curation. The score for this variant resulted in a classification of benign for this disease.

Breakthrough Genomics
Classification: Benign. Review status: criteria provided, single submitter. Criteria: ACMG Guidelines, 2015. Collection method: not provided. Allele origin: germline. Inheritance: Autosomal recessive inheritance. Affected: yes.

NM_000821.7(GGCX):c.*3996T>C

Gene: GGCX (gamma-glutamyl carboxylase; minus strand). Cytogenetic location: 2p11.2.
Variant type: single nucleotide variant.
Coding change: c.*3996T>C on transcript NM_000821.7 (MANE Select); 3996 bases downstream of the stop codon, T replaced by C.
Molecular consequence: 3 prime UTR variant.
Genome position (GRCh38, 1-based): chr2:85,545,938, A>G on the plus strand (T>C on the coding strand, the complement: GGCX is on the minus strand). VCF-style: chr2-85545938-A-G. GRCh37 (hg19) VCF-style: chr2-85773061-A-G.
Other names: c.*3996T>C (NM_001142269.4).
Identifiers: ClinVar variation 337185 (VCV000337185.6), dbSNP rs12473819, ClinGen allele CA10616291.